The following is an entry in ClinVar:

NM_004100.5(EYA4):c.89T>C (p.Met30Thr)

Gene: EYA4 (EYA transcriptional coactivator and phosphatase 4; plus strand). Cytogenetic location: 6q23.2.
Variant type: single nucleotide variant.
Coding change: c.89T>C on transcript NM_004100.5 (MANE Select); coding-DNA position 89, T replaced by C.
Protein change: p.Met30Thr; replaces methionine 30 with threonine.
Molecular consequence: missense variant.
Genome position (GRCh38, 1-based): chr6:133,446,635, T>C. VCF-style: chr6-133446635-T-C. GRCh37 (hg19) VCF-style: chr6-133767773-T-C.
Other names: c.89T>C, p.Met30Thr (NM_001301012.2, NM_001301013.2, NM_001370458.1 and 3 more transcripts); short protein forms M30T.
Identifiers: ClinVar variation 2313040 (VCV002313040.4), dbSNP rs1554259054, ClinGen allele CA365837912.

ClinVar aggregate classification (germline): Uncertain significance. Review status: criteria provided, multiple submitters, no conflicts (2 of 4 stars). 2 submissions from 2 submitters: Uncertain significance (2). Last evaluated 2024-03-21.

Conditions:
Cardiovascular phenotype. Identifiers: MedGen CN230736.
Dilated cardiomyopathy 1J (CMD1J). Also called: CARDIOMYOPATHY, DILATED, WITH SENSORINEURAL HEARING LOSS, AUTOSOMAL DOMINANT. Identifiers: Orphanet 217622, MedGen C1854368, MONDO:0011541, OMIM 605362.

gnomAD v4.1: 1 of 1,613,992 alleles (0.000062%); highest among the groups gnomAD compares: East Asian, 0.0022%; no homozygotes.

Submissions (2):

Labcorp Genetics (formerly Invitae), Labcorp
Classification: Uncertain significance for Dilated cardiomyopathy 1J. Last evaluated: 2024-03-21. Review status: criteria provided, single submitter. Criteria: Invitae Variant Classification Sherloc (09022015). Collection method: clinical testing. Allele origin: germline.
Comment: This sequence change replaces methionine, which is neutral and non-polar, with threonine, which is neutral and polar, at codon 30 of the EYA4 protein (p.Met30Thr). This variant is not present in population databases (gnomAD no frequency). This variant has not been reported in the literature in individuals affected with EYA4-related conditions. ClinVar contains an entry for this variant (Variation ID: 2313040). An algorithm developed to predict the effect of missense changes on protein structure and function (PolyPhen-2) suggests that this variant is likely to be tolerated. In summary, the available evidence is currently insufficient to determine the role of this variant in disease. Therefore, it has been classified as a Variant of Uncertain Significance.

Ambry Genetics
Classification: Uncertain significance for Cardiovascular phenotype. Last evaluated: 2022-09-22. Review status: criteria provided, single submitter. Criteria: Ambry Variant Classification Scheme 2023. Collection method: clinical testing. Allele origin: germline.